The following is an entry in ClinVar:

ClinVar aggregate classification (germline): Uncertain significance (1 of 4 stars; one submission).

gnomAD v4.1: 2 of 1,613,344 alleles (0.00012%); highest among the groups gnomAD compares: Admixed American, 0.0017%; no homozygotes.

Submission:

Women's Health and Genetics/Laboratory Corporation of America, LabCorp
Classification: Uncertain significance. Last evaluated: 2026-01-13. Review status: criteria provided, single submitter. Criteria: LabCorp Variant Classification Summary - May 2015. Collection method: clinical testing. Allele origin: germline.
Comment: Variant summary: OBSL1 c.820G>A (p.Glu274Lys) results in a conservative amino acid change in the encoded protein sequence. Algorithms developed to predict the effect of missense changes on protein structure and function are either unavailable or do not agree on the potential impact of this missense change. The variant allele was found at a frequency of 8.2e-06 in 244764 control chromosomes. The available data on variant occurrences in the general population are insufficient to allow any conclusion about variant significance. To our knowledge, no occurrence of c.820G>A in individuals affected with OBSL1-related conditions and no experimental evidence demonstrating its impact on protein function have been reported. No submitters have cited clinical-significance assessments for this variant to ClinVar. Based on the evidence outlined above, the variant was classified as uncertain significance.

NM_015311.3(OBSL1):c.820G>A (p.Glu274Lys)

Gene: OBSL1 (obscurin like cytoskeletal adaptor 1; minus strand). Cytogenetic location: 2q35.
Variant type: single nucleotide variant.
Coding change: c.820G>A on transcript NM_015311.3 (MANE Select); coding-DNA position 820, G replaced by A.
Protein change: p.Glu274Lys; replaces glutamic acid 274 with lysine.
Molecular consequence: missense variant.
Genome position (GRCh38, 1-based): chr2:219,570,413, C>T on the plus strand (G>A on the coding strand, the complement: OBSL1 is on the minus strand). VCF-style: chr2-219570413-C-T. GRCh37 (hg19) VCF-style: chr2-220435135-C-T.
Other names: c.820G>A, p.Glu274Lys (NM_001173408.2, NM_001173431.2); short protein forms E274K.
Identifiers: ClinVar variation 4689418 (VCV004689418.1).